The following is an entry in ClinVar:

ClinVar aggregate classification (germline): Uncertain significance (1 of 4 stars; one submission).

Conditions:
Familial adenomatous polyposis 1 (FAP1). Also called: FAMILIAL ADENOMATOUS POLYPOSIS 1, ATTENUATED; POLYPOSIS, ADENOMATOUS INTESTINAL. Identifiers: MedGen C2713442, MONDO:0021056, OMIM 175100. Disease mechanism: loss of function.

Allele frequency attached by ClinVar (database versions not stated): gnomAD exomes below 0.00001.
gnomAD v4.1: 1 of 1,613,742 alleles (0.000062%); highest among the groups gnomAD compares: Non-Finnish European, 0.000085%; no homozygotes.

Submission:

Labcorp Genetics (formerly Invitae), Labcorp
Classification: Uncertain significance for Familial adenomatous polyposis 1. Last evaluated: 2023-05-16. Review status: criteria provided, single submitter. Criteria: Invitae Variant Classification Sherloc (09022015). Collection method: clinical testing. Allele origin: germline.
Comment: This sequence change replaces leucine, which is neutral and non-polar, with isoleucine, which is neutral and non-polar, at codon 2643 of the APC protein (p.Leu2643Ile). In summary, the available evidence is currently insufficient to determine the role of this variant in disease. Therefore, it has been classified as a Variant of Uncertain Significance. Advanced modeling of protein sequence and biophysical properties (such as structural, functional, and spatial information, amino acid conservation, physicochemical variation, residue mobility, and thermodynamic stability) performed at Invitae indicates that this missense variant is not expected to disrupt APC protein function. This variant has not been reported in the literature in individuals affected with APC-related conditions. This variant is not present in population databases (gnomAD no frequency).

NM_000038.6(APC):c.7927C>A (p.Leu2643Ile)

Gene: APC (APC regulator of Wnt signaling pathway; plus strand). Cytogenetic location: 5q22.2.
Variant type: single nucleotide variant.
Coding change: c.7927C>A on transcript NM_000038.6 (MANE Select); coding-DNA position 7927, C replaced by A.
Protein change: p.Leu2643Ile; replaces leucine 2643 with isoleucine.
Molecular consequence: missense variant. On other transcripts: non-coding transcript variant (2).
Genome position (GRCh38, 1-based): chr5:112,843,521, C>A. VCF-style: chr5-112843521-C-A. GRCh37 (hg19) VCF-style: chr5-112179218-C-A.
Other names: c.7927C>A, p.Leu2643Ile (NM_001127510.3, NM_001354895.2, NM_001407450.1); c.7873C>A, p.Leu2625Ile (NM_001127511.3); c.7981C>A, p.Leu2661Ile (NM_001354896.2, NM_001407447.1, NM_001407448.1 and 1 more transcripts); c.7957C>A, p.Leu2653Ile (NM_001354897.2); c.7852C>A, p.Leu2618Ile (NM_001354898.2); c.7843C>A, p.Leu2615Ile (NM_001354899.2); c.7804C>A, p.Leu2602Ile (NM_001354900.2); c.7750C>A, p.Leu2584Ile (NM_001354901.2, NM_001407453.1); and 11 more; short protein forms L2483I, L2517I, L2560I, L2636I, L2618I, L2633I, L2653I, L2259I.
Identifiers: ClinVar variation 2864934 (VCV002864934.3), dbSNP rs2149996359, ClinGen allele CA16038543.